The following is an entry in ClinVar:

ClinVar aggregate classification (germline): Benign/Likely benign. Review status: criteria provided, multiple submitters, no conflicts (2 of 4 stars). 3 submissions from 3 submitters: Benign (1); Likely benign (2). Last evaluated 2026-09-28.

Conditions:
Neurofibromatosis, type 1 (NF1). Also called: Neurofibromatosis, type I; VON RECKLINGHAUSEN DISEASE; Peripheral type neurofibromatosis; NEUROFIBROMATOSIS, TYPE I, SOMATIC. Identifiers: Orphanet 636, MedGen C0027831, MONDO:0018975, OMIM 162200. Disease mechanism: loss of function.
Cardiovascular phenotype. Identifiers: MedGen CN230736.
Hereditary cancer-predisposing syndrome. Also called: Hereditary Cancer Syndrome; Hereditary neoplastic syndrome; Neoplastic Syndromes, Hereditary; Tumor predisposition. Identifiers: Orphanet 140162, MedGen C0027672, MeSH D009386, MONDO:0015356.

Allele frequency attached by ClinVar (database versions not stated): TOPMed below 0.00001; gnomAD 0.00001.
gnomAD v4.1: 1 of 1,613,768 alleles (0.000062%); highest among the groups gnomAD compares: Non-Finnish European, 0.000085%; no homozygotes.

Submissions (3):

Myriad Genetics, Inc.
Classification: Benign for Neurofibromatosis, type 1. Last evaluated: 2026-09-28. Review status: criteria provided, single submitter. Criteria: Myriad Autosomal Dominant, Autosomal Recessive and X-Linked Classification Criteria (2023). Collection method: clinical testing. Allele origin: unknown.
Comment: This variant is considered benign. This variant is a silent/synonymous amino acid change and it is not expected to impact splicing.

Labcorp Genetics (formerly Invitae), Labcorp
Classification: Likely benign for Neurofibromatosis, type 1. Last evaluated: 2024-02-20. Review status: criteria provided, single submitter. Criteria: Invitae Variant Classification Sherloc (09022015). Collection method: clinical testing. Allele origin: germline.

Ambry Genetics
Classification: Likely benign for Cardiovascular phenotype; Hereditary cancer-predisposing syndrome. Last evaluated: 2020-02-11. Review status: criteria provided, single submitter. Criteria: Ambry Variant Classification Scheme 2023. Collection method: clinical testing. Allele origin: germline.

NM_001042492.3(NF1):c.6783T>C (p.His2261=)

Gene: NF1 (neurofibromin 1; plus strand). Cytogenetic location: 17q11.2.
Variant type: single nucleotide variant.
Coding change: c.6783T>C on transcript NM_001042492.3 (MANE Select); coding-DNA position 6783, T replaced by C.
Protein change: p.His2261=; no amino-acid change (histidine 2261 retained).
Molecular consequence: synonymous variant.
Genome position (GRCh38, 1-based): chr17:31,338,103, T>C. VCF-style: chr17-31338103-T-C. GRCh37 (hg19) VCF-style: chr17-29665121-T-C.
Other names: c.6720T>C, p.His2240= (NM_000267.4).
Identifiers: ClinVar variation 1078643 (VCV001078643.10), dbSNP rs1311531049, ClinGen allele CA499234299.